The following is an entry in ClinVar:

ClinVar aggregate classification (germline): Uncertain significance. Review status: criteria provided, multiple submitters, no conflicts (2 of 4 stars). 3 submissions from 3 submitters: Uncertain significance (3). Last evaluated 2025-04-29.

Conditions:
Inborn genetic diseases. Identifiers: MedGen C0950123, MeSH D030342.
Immunodeficiency, common variable, 10. Also called: IMMUNODEFICIENCY, COMMON VARIABLE, WITH CENTRAL ADRENAL INSUFFICIENCY; DEFICIT IN ANTERIOR PITUITARY FUNCTION AND VARIABLE IMMUNODEFICIENCY. Identifiers: MedGen C3809991, MONDO:0014260, OMIM 615577.

Allele frequency attached by ClinVar (database versions not stated): TOPMed below 0.00001.
gnomAD v4.1: 2 of 1,612,938 alleles (0.00012%); highest among the groups gnomAD compares: Middle Eastern, 0.017%; no homozygotes.

Submissions (3):

Ambry Genetics
Classification: Uncertain significance for Inborn genetic diseases. Last evaluated: 2025-04-29. Review status: criteria provided, single submitter. Criteria: Ambry Variant Classification Scheme 2023. Collection method: clinical testing. Allele origin: germline.

CeGaT Center for Human Genetics Tuebingen
Classification: Uncertain significance. Last evaluated: 2023-06-01. Review status: criteria provided, single submitter. Criteria: CeGaT Center For Human Genetics Tuebingen Variant Classification Criteria Version 2. Collection method: clinical testing. Allele origin: germline. Affected: yes. Observed: 1 variant allele.
Comment: NFKB2: PM2, BP4

Labcorp Genetics (formerly Invitae), Labcorp
Classification: Uncertain significance for Immunodeficiency, common variable, 10. Last evaluated: 2022-11-29. Review status: criteria provided, single submitter. Criteria: Invitae Variant Classification Sherloc (09022015). Collection method: clinical testing. Allele origin: germline.
Comment: In summary, the available evidence is currently insufficient to determine the role of this variant in disease. Therefore, it has been classified as a Variant of Uncertain Significance. Algorithms developed to predict the effect of missense changes on protein structure and function (SIFT, PolyPhen-2, Align-GVGD) all suggest that this variant is likely to be tolerated. ClinVar contains an entry for this variant (Variation ID: 1010164). This variant has not been reported in the literature in individuals affected with NFKB2-related conditions. This variant is not present in population databases (gnomAD no frequency). This sequence change replaces serine, which is neutral and polar, with asparagine, which is neutral and polar, at codon 762 of the NFKB2 protein (p.Ser762Asn).

NM_001322934.2(NFKB2):c.2285G>A (p.Ser762Asn)

Gene: NFKB2 (nuclear factor kappa B subunit 2; plus strand). Cytogenetic location: 10q24.32.
Variant type: single nucleotide variant.
Coding change: c.2285G>A on transcript NM_001322934.2 (MANE Select); coding-DNA position 2285, G replaced by A.
Protein change: p.Ser762Asn; replaces serine 762 with asparagine.
Molecular consequence: missense variant.
Genome position (GRCh38, 1-based): chr10:102,401,510, G>A. VCF-style: chr10-102401510-G-A. GRCh37 (hg19) VCF-style: chr10-104161267-G-A.
Other names: c.2285G>A, p.Ser762Asn (NM_001077494.3, NM_001261403.3, NM_001288724.1 and 1 more transcripts); c.2159G>A, p.Ser720Asn (NM_001322935.1); c.2285G>A (NM_001077494.1); short protein forms S720N, S762N.
Identifiers: ClinVar variation 1010164 (VCV001010164.32), dbSNP rs2061248136, ClinGen allele CA377904942.